The following is an entry in ClinVar:

NM_005159.5(ACTC1):c.914C>T (p.Thr305Ile)

Genes: GJD2-DT (GJD2 divergent transcript; plus strand), ACTC1 (actin alpha cardiac muscle 1; minus strand). Cytogenetic location: 15q14.
Variant type: single nucleotide variant.
Coding change: c.914C>T on transcript NM_005159.5 (MANE Select); coding-DNA position 914, C replaced by T.
Protein change: p.Thr305Ile; replaces threonine 305 with isoleucine.
Molecular consequence: missense variant.
Genome position (GRCh38, 1-based): chr15:34,791,190, G>A on the plus strand (C>T on the coding strand, the complement: ACTC1 is on the minus strand). VCF-style: chr15-34791190-G-A. GRCh37 (hg19) VCF-style: chr15-35083391-G-A.
Other names: short protein forms T305I.
Identifiers: ClinVar variation 1038874 (VCV001038874.9), dbSNP rs1891696768, ClinGen allele CA391629437.
Genomic context (GRCh38, chr15:34,791,190, plus strand): 5'-CTAGGAGCCAGAGCAGTGATTTCCTTCTGCATACGATCAGCAATACCAGGGTACATAGTG[G>A]TGCCTCCAGATAAGACATTGTTGGCATACAGGTCCTTGCGGATATCAATGTCACACTTCA-3'
Protein context (NP_005150.1, residues 295-315): LYANNVLSGG[Thr305Ile]TMYPGIADRM

ClinVar aggregate classification (germline): Uncertain significance (1 of 4 stars; one submission).

Conditions:
Hypertrophic cardiomyopathy 11. Also called: ACTC1-Related Familial Hypertrophic Cardiomyopathy. Identifiers: MedGen C2677506, MONDO:0012799, OMIM 612098.
Dilated cardiomyopathy 1R (CMD1R). Identifiers: Orphanet 154, Orphanet 54260, MedGen C3150681, MONDO:0013261, OMIM 613424.
Atrial septal defect 5 (ASD5). Identifiers: Orphanet 1478, MedGen C2748552, MONDO:0013011, OMIM 612794.

Allele frequency attached by ClinVar (database versions not stated): gnomAD exomes below 0.00001.
gnomAD v4.1: 1 of 1,614,008 alleles (0.000062%); highest among the groups gnomAD compares: Non-Finnish European, 0.000085%; no homozygotes.

Submission:

Labcorp Genetics (formerly Invitae), Labcorp
Classification: Uncertain significance for Dilated cardiomyopathy 1R; Hypertrophic cardiomyopathy 11; Atrial septal defect 5. Last evaluated: 2020-02-06. Review status: criteria provided, single submitter. Criteria: Invitae Variant Classification Sherloc (09022015). Collection method: clinical testing. Allele origin: germline.
Comment: This variant is not present in population databases (ExAC no frequency). This sequence change replaces threonine with isoleucine at codon 305 of the ACTC1 protein (p.Thr305Ile). The threonine residue is highly conserved and there is a moderate physicochemical difference between threonine and isoleucine. This variant has not been reported in the literature in individuals with ACTC1-related conditions. Algorithms developed to predict the effect of missense changes on protein structure and function (SIFT, PolyPhen-2, Align-GVGD) all suggest that this variant is likely to be disruptive, but these predictions have not been confirmed by published functional studies and their clinical significance is uncertain. In summary, the available evidence is currently insufficient to determine the role of this variant in disease. Therefore, it has been classified as a Variant of Uncertain Significance.